The following is an entry in ClinVar:

ClinVar aggregate classification (germline): Pathogenic (1 of 4 stars; one submission).

Conditions:
Tuberous sclerosis syndrome (TSC). Also called: Tuberous Sclerosis Complex; Tuberous sclerosis. Identifiers: Orphanet 805, MedGen C0041341, MONDO:0001734.

Submission:

Cambridge Genomics Laboratory, East Genomic Laboratory Hub, NHS Genomic Medicine Service
Classification: Pathogenic for Tuberous sclerosis. Last evaluated: 2023-12-13. Review status: criteria provided, single submitter. Criteria: ACGS Best Practice Guidelines for Variant Classification in Rare Disease 2020. Collection method: clinical testing. Allele origin: germline. Affected: yes.
Comment: PVS1,PS4_Supporting,PM2,PP4

NM_000548.5(TSC2):c.225+2T>G

Gene: TSC2 (TSC complex subunit 2; plus strand). Cytogenetic location: 16p13.3.
Variant type: single nucleotide variant.
Coding change: c.225+2T>G on transcript NM_000548.5 (MANE Select); the canonical splice donor site of the intron after coding-DNA position 225, T replaced by G.
Molecular consequence: splice donor variant.
Genome position (GRCh38, 1-based): chr16:2,050,488, T>G. VCF-style: chr16-2050488-T-G. GRCh37 (hg19) VCF-style: chr16-2100489-T-G.
Other names: c.-1513+2T>G (NM_001406693.1); c.225+2T>G (NM_001406667.1, NM_001406668.1, NM_001114382.3 and 13 more transcripts); c.-592+2T>G (NM_001406680.1, NM_001406683.1, NM_001406687.1); c.-1207+2T>G (NM_001406689.1, NM_001406690.1, NM_001406692.1 and 2 more transcripts); c.-1383+2T>G (NM_001406698.1); c.-1088+2T>G (NM_001406694.1, NM_001406695.1); c.-1195+2T>G (NM_001406696.1); c.-221+2T>G (NM_001406681.1); and 3 more.
Identifiers: ClinVar variation 3236656 (VCV003236656.1), dbSNP rs397515105, ClinGen allele CA394303686.